The following is an entry in ClinVar:

NM_000352.6(ABCC8):c.35C>A (p.Ser12Ter)

Gene: ABCC8 (ATP binding cassette subfamily C member 8; minus strand). Cytogenetic location: 11p15.1.
Variant type: single nucleotide variant.
Coding change: c.35C>A on transcript NM_000352.6 (MANE Select); coding-DNA position 35, C replaced by A.
Protein change: p.Ser12Ter; replaces serine 12 with a stop codon.
Molecular consequence: nonsense. On other transcripts: non-coding transcript variant (1).
Genome position (GRCh38, 1-based): chr11:17,476,742, G>T on the plus strand (C>A on the coding strand, the complement: ABCC8 is on the minus strand). VCF-style: chr11-17476742-G-T. GRCh37 (hg19) VCF-style: chr11-17498289-G-T.
Other names: c.35C>A, p.Ser12Ter (NM_001351297.2, NM_001287174.3, NM_001351295.2 and 1 more transcripts); short protein forms S12*.
Identifiers: ClinVar variation 942720 (VCV000942720.11), dbSNP rs1283621955, ClinGen allele CA379790231.

ClinVar aggregate classification (germline): Pathogenic. Review status: criteria provided, multiple submitters, no conflicts (2 of 4 stars). 2 submissions from 2 submitters: Pathogenic (2). Last evaluated 2021-10-15.

Conditions:
Familial hyperinsulinism. Also called: Congenital hyperinsulinism. Identifiers: Orphanet 276525, MedGen C3888018, MONDO:0017182. Disease mechanism: loss of function.

Submissions (2):

Women's Health and Genetics/Laboratory Corporation of America, LabCorp
Classification: Pathogenic for Familial hyperinsulinism. Last evaluated: 2021-10-15. Review status: criteria provided, single submitter. Criteria: LabCorp Variant Classification Summary - May 2015. Collection method: clinical testing. Allele origin: germline.
Comment: Variant summary: ABCC8 c.35C>A (p.Ser12X) results in a premature termination codon, predicted to cause a truncation of the encoded protein or absence of the protein due to nonsense mediated decay, which are commonly known mechanisms for disease. Truncations downstream of this position have been classified as pathogenic by our laboratory. The variant was absent in 221046 control chromosomes. c.35C>A has been reported in the literature in individuals affected with paternally inherited, diazoxide resistant form of focal Congenital Hyperinsulinism (example, Kapoor_2013, Arya_2014, Craigie_2018) although an association in settings of autosomal recessive diffuse congenital hyperinsulinism cannot be excluded. To our knowledge, no experimental evidence demonstrating an impact on protein function has been reported. One clinical diagnostic laboratory has submitted clinical-significance assessments for this variant to ClinVar after 2014 without evidence for independent evaluation and classified the variant as pathogenic. Based on the evidence outlined above, the variant was classified as pathogenic.

Labcorp Genetics (formerly Invitae), Labcorp
Classification: Pathogenic. Last evaluated: 2019-09-28. Review status: criteria provided, single submitter. Criteria: Invitae Variant Classification Sherloc (09022015). Collection method: clinical testing. Allele origin: germline.
Comment: For these reasons, this variant has been classified as Pathogenic. Loss-of-function variants in ABCC8 are known to be pathogenic (PMID: 20685672, 23345197). This variant has been observed in an individual affected with hyperinsulinism (PMID: 23345197). This variant is not present in population databases (ExAC no frequency). This sequence change creates a premature translational stop signal (p.Ser12*) in the ABCC8 gene. It is expected to result in an absent or disrupted protein product.

Literature cited by the submitters: PubMed 23345197 (cited by Women's Health and Genetics/Laboratory Corporation of America, LabCorp and Labcorp Genetics (formerly Invitae), Labcorp); PubMed 25201519 (cited by Women's Health and Genetics/Laboratory Corporation of America, LabCorp); PubMed 30386300 (cited by Women's Health and Genetics/Laboratory Corporation of America, LabCorp); PubMed 20685672 (cited by Labcorp Genetics (formerly Invitae), Labcorp).